The following is an entry in ClinVar:

ClinVar aggregate classification (germline): Pathogenic. Review status: criteria provided, multiple submitters, no conflicts (2 of 4 stars). 2 submissions from 2 submitters: Pathogenic (2). Last evaluated 2023-08-29.

Conditions:
Hereditary hemorrhagic telangiectasia (HHT). Also called: ORW DISEASE; Osler Weber Rendu syndrome; OSLER-RENDU-WEBER DISEASE; Osler hemorrhagic telangiectasia syndrome. Identifiers: Orphanet 774, MedGen C0039445, MONDO:0019180. Disease mechanism: loss of function.

Submissions (2):

Mayo Clinic Laboratories, Mayo Clinic
Classification: Pathogenic. Last evaluated: 2023-08-29. Review status: criteria provided, single submitter. Criteria: ACMG Guidelines, 2015. Collection method: clinical testing. Allele origin: germline.
Comment: PM2, PS4_supporting, PVS1

Labcorp Genetics (formerly Invitae), Labcorp
Classification: Pathogenic for Hereditary hemorrhagic telangiectasia. Last evaluated: 2023-08-14. Review status: criteria provided, single submitter. Criteria: Invitae Variant Classification Sherloc (09022015). Collection method: clinical testing. Allele origin: germline.
Comment: This sequence change creates a premature translational stop signal (p.Arg333Alafs*17) in the ENG gene. It is expected to result in an absent or disrupted protein product. Loss-of-function variants in ENG are known to be pathogenic (PMID: 15879500). This variant is not present in population databases (gnomAD no frequency). This premature translational stop signal has been observed in individual(s) with epistaxis (PMID: 21158752). For these reasons, this variant has been classified as Pathogenic.

Literature cited by the submitters: PubMed 21158752 (cited by Mayo Clinic Laboratories, Mayo Clinic and Labcorp Genetics (formerly Invitae), Labcorp); PubMed 15879500 (cited by Labcorp Genetics (formerly Invitae), Labcorp).

NM_001114753.3(ENG):c.997_1001del (p.Arg333fs)

Gene: ENG (endoglin; minus strand). Cytogenetic location: 9q34.11.
Variant type: Deletion.
Coding change: c.997_1001del on transcript NM_001114753.3 (MANE Select); coding-DNA positions 997 to 1001, 5 bases deleted (AGGCT; older notation c.997_1001delAGGCT).
Protein change: p.Arg333fs; shifts the reading frame from arginine 333.
Molecular consequence: frameshift variant.
Genome position (GRCh38, 1-based): chr9:127,824,437-127,824,441, AGCCT deleted on the plus strand (AGGCT on the coding strand, the reverse complement: ENG is on the minus strand); deleting any 5 consecutive bases within chr9:127,824,437-127,824,442 gives the same sequence; the c. name uses the placement nearest the transcript's 3' end. VCF-style (leftmost placement, unchanged base first): chr9-127824436-CAGCCT-C. GRCh37 (hg19) VCF-style: chr9-130586715-CAGCCT-C.
Other names: p.Arg333Alafs*17; c.997_1001del, p.Arg333fs (NM_000118.4, NM_001406715.1); c.996_1000delTAGGC, p.Arg333Alafs (NM_001114753.2); c.451_455del, p.Arg151fs (NM_001278138.2); short protein forms R151fs, R333fs.
Identifiers: ClinVar variation 2683658 (VCV002683658.5), dbSNP rs2539071312, ClinGen allele CA2695211243.